The following is an entry in ClinVar:

ClinVar aggregate classification (germline): Uncertain significance. Review status: criteria provided, multiple submitters, no conflicts (2 of 4 stars). 3 submissions from 3 submitters: Uncertain significance (3). Last evaluated 2026-09-01.

Conditions:
Cardiovascular phenotype. Identifiers: MedGen CN230736.
Ehlers-Danlos syndrome due to tenascin-X deficiency (EDSCLL1). Also called: EDS DUE TO TNX DEFICIENCY; TNX DEFICIENCY; Ehlers-Danlos syndrome, classic-like, 1; EHLERS-DANLOS SYNDROME, CLASSIC-LIKE; TNXB-Related Classical-Like Ehlers-Danlos Syndrome. Identifiers: Orphanet 230839, MedGen C1848029, MONDO:0011670, OMIM 606408.
Vesicoureteral reflux 8 (VUR8). Identifiers: Orphanet 289365, MedGen C4014831, MONDO:0014422, OMIM 615963.

Allele frequency attached by ClinVar (database versions not stated): ExAC 0.00002; TOPMed 0.00002; gnomAD exomes 0.00003 and 0.00004; gnomAD 0.00005.
gnomAD v4.1: 56 of 1,613,594 alleles (0.0035%); highest among the groups gnomAD compares: Non-Finnish European, 0.0036%; no homozygotes.

Submissions (3):

CeGaT Center for Human Genetics Tuebingen
Classification: Uncertain significance. Last evaluated: 2026-09-01. Review status: criteria provided, single submitter. Criteria: CeGaT Center For Human Genetics Tuebingen Variant Classification Criteria Version 2. Collection method: clinical testing. Allele origin: germline. Affected: yes. Observed: 2 variant alleles.
Comment: TNXB: PM2, BP4

Ambry Genetics
Classification: Uncertain significance for Cardiovascular phenotype. Last evaluated: 2025-11-08. Review status: criteria provided, single submitter. Criteria: Ambry Variant Classification Scheme 2023. Collection method: clinical testing. Allele origin: germline.

Fulgent Genetics
Classification: Uncertain significance for Ehlers-Danlos syndrome due to tenascin-X deficiency; Vesicoureteral reflux 8. Last evaluated: 2021-07-15. Review status: criteria provided, single submitter. Criteria: ACMG Guidelines, 2015. Collection method: clinical testing. Allele origin: unknown.

NM_001365276.2(TNXB):c.9212C>T (p.Ala3071Val)

Gene: TNXB (tenascin XB; minus strand). Cytogenetic location: 6p21.33.
Variant type: single nucleotide variant.
Coding change: c.9212C>T on transcript NM_001365276.2 (MANE Select); coding-DNA position 9212, C replaced by T.
Protein change: p.Ala3071Val; replaces alanine 3071 with valine.
Molecular consequence: missense variant.
Genome position (GRCh38, 1-based): chr6:32,050,225, G>A on the plus strand (C>T on the coding strand, the complement: TNXB is on the minus strand). VCF-style: chr6-32050225-G-A. GRCh37 (hg19) VCF-style: chr6-32018002-G-A.
Other names: c.9206C>T, p.Ala3069Val (NM_019105.8); c.9206C>T (NM_019105.7); short protein forms A3069V, A3071V.
Identifiers: ClinVar variation 871702 (VCV000871702.44), dbSNP rs753102887, ClinGen allele CA3733597.